The following is an entry in ClinVar:

NM_152564.5(VPS13B):c.9186A>G (p.Leu3062=)

Gene: VPS13B (vacuolar protein sorting 13 homolog B; plus strand). Cytogenetic location: 8q22.2.
Variant type: single nucleotide variant.
Coding change: c.9186A>G on transcript NM_152564.5 (MANE Select); coding-DNA position 9186, A replaced by G.
Protein change: p.Leu3062=; no amino-acid change (leucine 3062 retained).
Molecular consequence: synonymous variant.
Genome position (GRCh38, 1-based): chr8:99,823,834, A>G. VCF-style: chr8-99823834-A-G. GRCh37 (hg19) VCF-style: chr8-100836062-A-G.
Other names: c.9261A>G, p.Leu3087= (NM_017890.5); c.9186A>G (NM_152564.4).
Identifiers: ClinVar variation 742163 (VCV000742163.10), dbSNP rs984224710, ClinGen allele CA182331443.

ClinVar aggregate classification (germline): Likely benign. Review status: criteria provided, single submitter (1 of 4 stars). 2 submissions from 2 submitters: Likely benign (1). 1 of the submissions does not count toward it. Last evaluated 2025-10-11.

Conditions:
Cohen syndrome (COH1). Also called: PEPPER SYNDROME; Cutis verticis gyrata, retinitis pigmentosa, and sensorineural deafness. Identifiers: Orphanet 193, MedGen C0265223, MONDO:0008999, OMIM 216550.
VPS13B-related disorder. Also called: VPS13B-related condition.

Allele frequency attached by ClinVar (database versions not stated): gnomAD 0.00001; gnomAD exomes 0.00001; TOPMed 0.00003.
gnomAD v4.1: 16 of 1,613,272 alleles (0.00099%); highest among the groups gnomAD compares: Admixed American, 0.0017%; no homozygotes.

Submissions (2):

Labcorp Genetics (formerly Invitae), Labcorp
Classification: Likely benign for Cohen syndrome. Last evaluated: 2025-10-11. Review status: criteria provided, single submitter. Criteria: Invitae Variant Classification Sherloc (09022015). Collection method: clinical testing. Allele origin: germline.

PreventionGenetics, part of Exact Sciences
Classification: Likely benign for VPS13B-related condition. Last evaluated: 2024-05-31. Review status: no assertion criteria provided. Collection method: clinical testing. Allele origin: germline. Not counted in ClinVar's aggregate classification.
Comment: This variant is classified as likely benign based on ACMG/AMP sequence variant interpretation guidelines (Richards et al. 2015 PMID: 25741868, with internal and published modifications).